The following is an entry in ClinVar:

ClinVar aggregate classification (germline): Uncertain significance (1 of 4 stars; one submission).

Conditions:
Muscular dystrophy-dystroglycanopathy (congenital with brain and eye anomalies), type a, 11 (MDDGA11). Also called: Congenital muscular dystrophy-dystroglycanopathy with brain and eye anomalies, type A11; WALKER-WARBURG SYNDROME OR MUSCLE-EYE-BRAIN DISEASE, B3GALNT2-RELATED; Muscular dystrophy-dystroglycanopathy (congenital with brain and eye anomalies, type A, 11. Identifiers: Orphanet 588, Orphanet 899, MedGen C3554638, MONDO:0014071, OMIM 615181.

Allele frequency attached by ClinVar (database versions not stated): gnomAD exomes below 0.00001.
gnomAD v4.1: 3 of 1,609,006 alleles (0.00019%); highest among the groups gnomAD compares: Non-Finnish European, 0.00026%; no homozygotes.

Submission:

Labcorp Genetics (formerly Invitae), Labcorp
Classification: Uncertain significance for Muscular dystrophy-dystroglycanopathy (congenital with brain and eye anomalies), type a, 11. Last evaluated: 2023-10-13. Review status: criteria provided, single submitter. Criteria: Invitae Variant Classification Sherloc (09022015). Collection method: clinical testing. Allele origin: germline.
Comment: This sequence change falls in intron 11 of the B3GALNT2 gene. It does not directly change the encoded amino acid sequence of the B3GALNT2 protein. It affects a nucleotide within the consensus splice site. This variant is not present in population databases (gnomAD no frequency). This variant has not been reported in the literature in individuals affected with B3GALNT2-related conditions. ClinVar contains an entry for this variant (Variation ID: 569198). Variants that disrupt the consensus splice site are a relatively common cause of aberrant splicing (PMID: 17576681, 9536098). Algorithms developed to predict the effect of sequence changes on RNA splicing suggest that this variant is not likely to affect RNA splicing. In summary, the available evidence is currently insufficient to determine the role of this variant in disease. Therefore, it has been classified as a Variant of Uncertain Significance.

Literature cited by the submitters: PubMed 17576681; PubMed 9536098.

NM_152490.5(B3GALNT2):c.1368+3A>G

Gene: B3GALNT2 (beta-1,3-N-acetylgalactosaminyltransferase 2; minus strand). Cytogenetic location: 1q42.3.
Variant type: single nucleotide variant.
Coding change: c.1368+3A>G on transcript NM_152490.5 (MANE Select); 3 bases into the intron after coding-DNA position 1368, A replaced by G.
Molecular consequence: intron variant.
Genome position (GRCh38, 1-based): chr1:235,453,087, T>C on the plus strand (A>G on the coding strand, the complement: B3GALNT2 is on the minus strand). VCF-style: chr1-235453087-T-C. GRCh37 (hg19) VCF-style: chr1-235616399-T-C.
Identifiers: ClinVar variation 569198 (VCV000569198.7), dbSNP rs1558407116, ClinGen allele CA891842500.